The following is an entry in ClinVar:

ClinVar aggregate classification (germline): Uncertain significance (1 of 4 stars; one submission).

Allele frequency attached by ClinVar (database versions not stated): gnomAD exomes below 0.00001.
gnomAD v4.1: 1 of 1,611,976 alleles (0.000062%); highest among the groups gnomAD compares: Non-Finnish European, 0.000085%; no homozygotes.

Submission:

Labcorp Genetics (formerly Invitae), Labcorp
Classification: Uncertain significance. Last evaluated: 2022-07-01. Review status: criteria provided, single submitter. Criteria: Invitae Variant Classification Sherloc (09022015). Collection method: clinical testing. Allele origin: germline.
Comment: This sequence change replaces histidine, which is basic and polar, with tyrosine, which is neutral and polar, at codon 293 of the MPDZ protein (p.His293Tyr). This variant is present in population databases (no rsID available, gnomAD 0.0009%). This variant has not been reported in the literature in individuals affected with MPDZ-related conditions. Algorithms developed to predict the effect of missense changes on protein structure and function (SIFT, PolyPhen-2, Align-GVGD) all suggest that this variant is likely to be disruptive. In summary, the available evidence is currently insufficient to determine the role of this variant in disease. Therefore, it has been classified as a Variant of Uncertain Significance.

NM_001378778.1(MPDZ):c.877C>T (p.His293Tyr)

Gene: MPDZ (multiple PDZ domain crumbs cell polarity complex component; minus strand). Cytogenetic location: 9p23.
Variant type: single nucleotide variant.
Coding change: c.877C>T on transcript NM_001378778.1 (MANE Select); coding-DNA position 877, C replaced by T.
Protein change: p.His293Tyr; replaces histidine 293 with tyrosine.
Molecular consequence: missense variant.
Genome position (GRCh38, 1-based): chr9:13,219,768, G>A on the plus strand (C>T on the coding strand, the complement: MPDZ is on the minus strand). VCF-style: chr9-13219768-G-A. GRCh37 (hg19) VCF-style: chr9-13219767-G-A.
Other names: c.877C>T, p.His293Tyr (NM_001261406.2, NM_001261407.2, NM_001330637.2 and 14 more transcripts); short protein forms H293Y.
Identifiers: ClinVar variation 2012620 (VCV002012620.1), dbSNP rs1456615328, ClinGen allele CA372945898.